The following is an entry in ClinVar:

NM_020207.7(ERCC6L2):c.4607C>T (p.Pro1536Leu)

Gene: ERCC6L2 (ERCC excision repair 6 like 2; plus strand). Cytogenetic location: 9q22.32.
Variant type: single nucleotide variant.
Coding change: c.4607C>T on transcript NM_020207.7 (MANE Select); coding-DNA position 4607, C replaced by T.
Protein change: p.Pro1536Leu; replaces proline 1536 with leucine.
Molecular consequence: missense variant. On other transcripts: non-coding transcript variant (1), intron variant (2).
Genome position (GRCh38, 1-based): chr9:96,013,157, C>T. VCF-style: chr9-96013157-C-T. GRCh37 (hg19) VCF-style: chr9-98775439-C-T.
Other names: c.3674+8456C>T (NM_001375291.1, NM_001375292.1); short protein forms P1536L.
Identifiers: ClinVar variation 1338020 (VCV001338020.4), dbSNP rs2133228736, ClinGen allele CA466124456.

ClinVar aggregate classification (germline): Uncertain significance (1 of 4 stars; one submission).

Submission:

Genetic Services Laboratory, University of Chicago
Classification: Uncertain significance. Last evaluated: 2021-10-19. Review status: criteria provided, single submitter. Criteria: ACMG Guidelines, 2015. Collection method: clinical testing. Allele origin: germline. Affected: no.
Comment: DNA sequence analysis of the ERCC6L2 gene demonstrated a sequence change, c.4640C>T, in exon 19 that results in an amino acid change, p.Pro1547Leu. This sequence change does not appear to have been previously described in individuals with ERCC6L2-related disorders and has also not been described in the population databases such as ExAC and gnomAD. The p.Pro1547Leu change affects a poorly conserved amino acid residue located in a domain of the ERCC6L2 protein that is not known to be functional. The p.Pro1547Leu substitution appears to be benign using several in-silico pathogenicity prediction tools (SIFT, Align GVGD, REVEL). Due to insufficient evidences and the lack of functional studies, the clinical significance of the p.Pro1547Leu change remains unknown at this time.